The following is an entry in ClinVar:

ClinVar aggregate classification (germline): Conflicting classifications of pathogenicity. Review status: criteria provided, conflicting classifications (1 of 4 stars). 6 submissions from 6 submitters: Uncertain significance (5); Benign (1). Last evaluated 2026-01-30.

Conditions:
Hereditary cancer-predisposing syndrome. Also called: Neoplastic Syndromes, Hereditary; Hereditary neoplastic syndrome; Hereditary Cancer Syndrome; Tumor predisposition. Identifiers: Orphanet 140162, MedGen C0027672, MeSH D009386, MONDO:0015356.
Familial cancer of breast. Also called: hereditary breast carcinoma; Hereditary breast cancer; BREAST CANCER, FAMILIAL. Identifiers: Orphanet 227535, MedGen C0346153, MONDO:0016419, OMIM 114480. Disease mechanism: loss of function.

Allele frequency attached by ClinVar (database versions not stated): gnomAD exomes below 0.00001.
gnomAD v4.1: 4 of 1,613,670 alleles (0.00025%); highest among the groups gnomAD compares: Non-Finnish European, 0.00034%; no homozygotes.

Submissions (6):

Labcorp Genetics (formerly Invitae), Labcorp
Classification: Uncertain significance for Familial cancer of breast. Last evaluated: 2026-01-30. Review status: criteria provided, single submitter. Criteria: Invitae Variant Classification Sherloc (09022015). Collection method: clinical testing. Allele origin: germline.
Comment: This sequence change replaces threonine, which is neutral and polar, with serine, which is neutral and polar, at codon 165 of the BARD1 protein (p.Thr165Ser). This variant is present in population databases (no rsID available, gnomAD 0.0009%). This variant has not been reported in the literature in individuals affected with BARD1-related conditions. ClinVar contains an entry for this variant (Variation ID: 229696). An algorithm developed to predict the effect of missense changes on protein structure and function (PolyPhen-2) suggests that this variant is likely to be disruptive. In summary, the available evidence is currently insufficient to determine the role of this variant in disease. Therefore, it has been classified as a Variant of Uncertain Significance.

Ambry Genetics
Classification: Uncertain significance for Hereditary cancer-predisposing syndrome. Last evaluated: 2024-11-11. Review status: criteria provided, single submitter. Criteria: Ambry Variant Classification Scheme 2023. Collection method: clinical testing. Allele origin: germline.

GeneDx
Classification: Uncertain significance. Last evaluated: 2024-07-05. Review status: criteria provided, single submitter. Criteria: GeneDx Variant Classification Process June 2021. Collection method: clinical testing. Allele origin: germline.
Comment: Not observed at significant frequency in large population cohorts (gnomAD); In silico analysis indicates that this missense variant does not alter protein structure/function; Has not been previously published as pathogenic or benign to our knowledge; This variant is associated with the following publications: (PMID: 28569743)

Color Diagnostics, LLC DBA Color Health
Classification: Uncertain significance for Hereditary cancer-predisposing syndrome. Last evaluated: 2023-12-05. Review status: criteria provided, single submitter. Criteria: ACMG Guidelines, 2015. Collection method: clinical testing. Allele origin: germline.
Comment: This missense variant replaces threonine with serine at codon 165 of the BARD1 protein. Computational prediction suggests that this variant may not impact protein structure and function (internally defined REVEL score threshold <= 0.5, PMID: 27666373). To our knowledge, functional studies have not been reported for this variant. This variant has not been reported in individuals affected with BARD1-related disorders in the literature. This variant has been identified in 1/251000 chromosomes in the general population by the Genome Aggregation Database (gnomAD). The available evidence is insufficient to determine the role of this variant in disease conclusively. Therefore, this variant is classified as a Variant of Uncertain Significance.

Department of Pathology and Laboratory Medicine, Sinai Health System
Classification: Uncertain significance for Familial cancer of breast. Last evaluated: 2023-01-16. Review status: criteria provided, single submitter. Criteria: ACMG Guidelines, 2015. Collection method: clinical testing. Allele origin: germline. Affected: yes.

Dipartimento Di Medicina Di Precisione, Università Degli Studi Della Campania Luigi Vanvitelli
Classification: Benign for Hereditary cancer-predisposing syndrome. Review status: criteria provided, single submitter. Criteria: ACMG Guidelines, 2015. Collection method: clinical testing. Allele origin: germline. Inheritance: Autosomal dominant inheritance. Affected: yes. Observed: 1 heterozygote.
Comment: The BARD1 c.493A>T (p.Thr165Ser) variant was initially classified as a Variant of Uncertain Significance (VUS). However, in silico analyses (SIFT, PolyPhen-2, Align-GVGD, CADD) predicted a benign or tolerated effect of this missense substitution. The affected residue is moderately conserved but does not lie within a known functional domain of the BARD1 protein. According to ACMG/AMP guidelines, and in the absence of supporting pathogenic criteria, the variant has been reclassified as benign.

Literature cited by the submitters: DOI 10.3390/ijms26135928 (cited by Dipartimento Di Medicina Di Precisione, Università Degli Studi Della Campania Luigi Vanvitelli).

NM_000465.4(BARD1):c.493A>T (p.Thr165Ser)

Gene: BARD1 (BRCA1 associated RING domain 1; minus strand). Cytogenetic location: 2q35.
Variant type: single nucleotide variant.
Coding change: c.493A>T on transcript NM_000465.4 (MANE Select); coding-DNA position 493, A replaced by T.
Protein change: p.Thr165Ser; replaces threonine 165 with serine.
Molecular consequence: missense variant. On other transcripts: non-coding transcript variant (2), intron variant (3).
Genome position (GRCh38, 1-based): chr2:214,781,381, T>A on the plus strand (A>T on the coding strand, the complement: BARD1 is on the minus strand). VCF-style: chr2-214781381-T-A. GRCh37 (hg19) VCF-style: chr2-215646105-T-A.
Other names: (p.Thr165Ser); c.436A>T, p.Thr146Ser (NM_001282543.2); c.158+28031A>T (NM_001282548.2); c.215+15680A>T (NM_001282545.2); c.364+10916A>T (NM_001282549.2); short protein forms T165S, T146S.
Identifiers: ClinVar variation 229696 (VCV000229696.23), dbSNP rs876658147, ClinGen allele CA10577846.